The following is an entry in ClinVar:

NM_021098.3(CACNA1H):c.4315G>A (p.Ala1439Thr)

Gene: CACNA1H (calcium voltage-gated channel subunit alpha1 H; plus strand). Cytogenetic location: 16p13.3.
Variant type: single nucleotide variant.
Coding change: c.4315G>A on transcript NM_021098.3 (MANE Select); coding-DNA position 4315, G replaced by A.
Protein change: p.Ala1439Thr; replaces alanine 1439 with threonine.
Molecular consequence: missense variant.
Genome position (GRCh38, 1-based): chr16:1,211,259, G>A. VCF-style: chr16-1211259-G-A. GRCh37 (hg19) VCF-style: chr16-1261259-G-A.
Other names: c.4315G>A, p.Ala1439Thr (NM_001005407.2); short protein forms A1439T.
Identifiers: ClinVar variation 4070892 (VCV004070892.1).

ClinVar aggregate classification (germline): Uncertain significance (1 of 4 stars; one submission).

gnomAD v4.1: 42 of 1,613,136 alleles (0.0026%); highest among the groups gnomAD compares: Non-Finnish European, 0.0032%; no homozygotes.

Submission:

GeneDx
Classification: Uncertain significance. Last evaluated: 2025-01-21. Review status: criteria provided, single submitter. Criteria: GeneDx Variant Classification Process June 2021. Collection method: clinical testing. Allele origin: germline. Affected: yes.
Comment: In silico analysis supports that this missense variant has a deleterious effect on protein structure/function; Has not been previously published as pathogenic or benign to our knowledge